The following is an entry in ClinVar:

NM_001126108.2(SLC12A3):c.187GTG[1] (p.Val64del)

Gene: SLC12A3 (solute carrier family 12 member 3; plus strand). Cytogenetic location: 16q13.
Variant type: Microsatellite.
Coding change: c.187GTG[1] on transcript NM_001126108.2 (MANE Select); one copy of the 3-base unit GTG starting at c.187; the reference has two copies in a row; one copy, 3 bases deleted.
Protein change: p.Val64del; deletes valine 64.
Molecular consequence: inframe deletion.
Genome position (GRCh38, 1-based): chr16:56,865,425-56,865,427, GTG deleted; deleting any 3 consecutive bases within chr16:56,865,422-56,865,427 gives the same sequence; the position shown is the placement nearest the transcript's 3' end. VCF-style (leftmost placement, unchanged base first): chr16-56865421-TGTG-T. GRCh37 (hg19) VCF-style: chr16-56899333-TGTG-T.
Other names: c.190_192del (NM_000339.3); c.187GTG[1], p.Val64del (NM_000339.3, NM_001126107.2, NM_001410896.1); short protein forms V64del.
Identifiers: ClinVar variation 3338806 (VCV003338806.2).

ClinVar aggregate classification (germline): Conflicting classifications of pathogenicity. Review status: criteria provided, conflicting classifications (1 of 4 stars). 2 submissions from 2 submitters: Likely pathogenic (1); Uncertain significance (1). Last evaluated 2024-04-10.

Conditions:
Familial hypokalemia-hypomagnesemia (GTLMNS). Also called: HYPOMAGNESEMIA-HYPOKALEMIA, PRIMARY RENOTUBULAR, WITH HYPOCALCIURIA; POTASSIUM AND MAGNESIUM DEPLETION; gitelman syndrome. Identifiers: Orphanet 358, MedGen C0268450, MONDO:0009904, OMIM 263800.

Submissions (2):

Fulgent Genetics
Classification: Likely pathogenic for Familial hypokalemia-hypomagnesemia. Last evaluated: 2024-04-10. Review status: criteria provided, single submitter. Criteria: ACMG Guidelines, 2015. Collection method: clinical testing. Allele origin: germline.

GeneDx
Classification: Uncertain significance. Last evaluated: 2023-09-27. Review status: criteria provided, single submitter. Criteria: GeneDx Variant Classification Process June 2021. Collection method: clinical testing. Allele origin: germline. Affected: yes.
Comment: Observed with a nonsense variant, phase unknown, in a patient with features of Gitelman syndrome in the literature (Vargas-Poussou et al., 2011); In-frame deletion of 1 amino acid in a non-repeat region; In silico analysis supports that this variant does not alter protein structure/function; Not observed at significant frequency in large population cohorts (gnomAD); This variant is associated with the following publications: (PMID: 21415153)